The following is an entry in ClinVar:

ClinVar aggregate classification (germline): Pathogenic (1 of 4 stars; one submission).

Conditions:
Donnai-Barrow syndrome. Also called: DBS/FOAR SYNDROME; FACIOOCULOACOUSTICORENAL SYNDROME. Identifiers: Orphanet 2143, MedGen C1857277, MONDO:0009104, OMIM 222448.

Submission:

Myriad Genetics, Inc.
Classification: Pathogenic for Donnai-Barrow syndrome. Last evaluated: 2026-03-03. Review status: criteria provided, single submitter. Criteria: Myriad Autosomal Dominant, Autosomal Recessive and X-Linked Classification Criteria (2023). Collection method: clinical testing. Allele origin: unknown.
Comment: NM_004525.2(LRP2):c.716G>A(W239*) is expected to be pathogenic in the context of Donnai-Barrow syndrome. This variant is predicted to lead to an abnormal or absent protein product due to the creation of a premature termination codon in LRP2, a gene where loss-of-function variants are known to be pathogenic. Please note: this variant was assessed in the context of healthy population screening.

NM_004525.3(LRP2):c.716G>A (p.Trp239Ter)

Gene: LRP2 (LDL receptor related protein 2; minus strand). Cytogenetic location: 2q31.1.
Variant type: single nucleotide variant.
Coding change: c.716G>A on transcript NM_004525.3 (MANE Select); coding-DNA position 716, G replaced by A.
Protein change: p.Trp239Ter; replaces tryptophan 239 with a stop codon.
Molecular consequence: nonsense.
Genome position (GRCh38, 1-based): chr2:169,292,306, C>T on the plus strand (G>A on the coding strand, the complement: LRP2 is on the minus strand). VCF-style: chr2-169292306-C-T. GRCh37 (hg19) VCF-style: chr2-170148816-C-T.
Other names: short protein forms W239*.
Identifiers: ClinVar variation 5015632 (VCV005015632.1).